The following is an entry in ClinVar:

ClinVar aggregate classification (germline): Conflicting classifications of pathogenicity. Review status: criteria provided, conflicting classifications (1 of 4 stars). 2 submissions from 2 submitters: Pathogenic (1); Uncertain significance (1). Last evaluated 2026-01-27.

gnomAD v4.1: 1 of 1,613,848 alleles (0.000062%); highest among the groups gnomAD compares: Non-Finnish European, 0.000085%; no homozygotes.

Submissions (2):

GeneDx
Classification: Pathogenic. Last evaluated: 2026-01-27. Review status: criteria provided, single submitter. Criteria: GeneDx Variant Classification Process June 2021. Collection method: clinical testing. Allele origin: germline. Affected: yes.
Comment: Nonsense variant predicted to result in protein truncation as the last 13 amino acids are lost; Not observed at significant frequency in large population cohorts (gnomAD); This variant is associated with the following publications: (PMID: 35982159, 33057194, 39501558)

CeGaT Center for Human Genetics Tuebingen
Classification: Uncertain significance. Last evaluated: 2025-03-01. Review status: criteria provided, single submitter. Criteria: CeGaT Center For Human Genetics Tuebingen Variant Classification Criteria Version 2. Collection method: clinical testing. Allele origin: germline. Affected: yes. Observed: 1 variant allele.
Comment: CUL3: PM2, PVS1:Moderate

NM_003590.5(CUL3):c.2266C>T (p.Arg756Ter)

Gene: CUL3 (cullin 3; minus strand). Cytogenetic location: 2q36.2.
Variant type: single nucleotide variant.
Coding change: c.2266C>T on transcript NM_003590.5 (MANE Select); coding-DNA position 2266, C replaced by T.
Protein change: p.Arg756Ter; replaces arginine 756 with a stop codon.
Molecular consequence: nonsense.
Genome position (GRCh38, 1-based): chr2:224,474,286, G>A on the plus strand (C>T on the coding strand, the complement: CUL3 is on the minus strand). VCF-style: chr2-224474286-G-A. GRCh37 (hg19) VCF-style: chr2-225339003-G-A.
Other names: c.2068C>T, p.Arg690Ter (NM_001257197.2); c.2284C>T, p.Arg762Ter (NM_001257198.2); short protein forms R690*, R756*, R762*.
Identifiers: ClinVar variation 2501546 (VCV002501546.11), dbSNP rs765501841, ClinGen allele CA350820207.